The following is an entry in ClinVar:

ClinVar aggregate classification (germline): Conflicting classifications of pathogenicity. Review status: criteria provided, conflicting classifications (1 of 4 stars). 13 submissions from 13 submitters: Uncertain significance (3); Likely benign (8). 2 of the submissions do not count toward it. Last evaluated 2026-06-01.

Conditions:
FLCN-related disorder. Also called: FLCN-related condition.
Birt-Hogg-Dube syndrome 1 (BHD1). Also called: FIBROFOLLICULOMAS WITH TRICHODISCOMAS AND ACROCHORDONS. Identifiers: Orphanet 122, MedGen CN375946, MONDO:0800445, OMIM 135150.
Hereditary cancer-predisposing syndrome. Also called: Tumor predisposition; Hereditary neoplastic syndrome; Hereditary Cancer Syndrome; Neoplastic Syndromes, Hereditary. Identifiers: Orphanet 140162, MedGen C0027672, MeSH D009386, MONDO:0015356.
Birt-Hogg-Dube syndrome. Also called: Birt Hogg Dubé syndrome. Identifiers: Orphanet 122, MedGen C0346010, MONDO:0800444.

Allele frequency attached by ClinVar (database versions not stated): gnomAD 0.00018 and 0.00020; gnomAD exomes 0.00018 and 0.00024; TOPMed 0.00018; ExAC 0.00019; ESP Exome Variant Server 0.00031.
gnomAD v4.1: 365 of 1,613,366 alleles (0.023%); highest among the groups gnomAD compares: Non-Finnish European, 0.03%; no homozygotes.

Submissions (14):

CeGaT Center for Human Genetics Tuebingen
Classification: Likely benign. Last evaluated: 2026-06-01. Review status: criteria provided, single submitter. Criteria: CeGaT Center For Human Genetics Tuebingen Variant Classification Criteria Version 2. Collection method: clinical testing. Allele origin: germline. Affected: yes. Observed: 1 variant allele.
Comment: FLCN: BP4, BS1

Labcorp Genetics (formerly Invitae), Labcorp
Classification: Likely benign for Birt-Hogg-Dube syndrome. Last evaluated: 2026-02-01. Review status: criteria provided, single submitter. Criteria: Invitae Variant Classification Sherloc (09022015). Collection method: clinical testing. Allele origin: germline.

Molecular Pathology, Peter Maccallum Cancer Centre
Classification: Likely benign for Birt-Hogg-Dube syndrome 1. Last evaluated: 2025-04-16. Review status: criteria provided, single submitter. Criteria: ACMG Guidelines, 2015. Collection method: clinical testing. Allele origin: germline. Inheritance: Autosomal dominant inheritance.

PreventionGenetics, part of Exact Sciences
Classification: Likely benign for FLCN-related condition. Last evaluated: 2025-04-15. Review status: criteria provided, single submitter. Criteria: ACMG Guidelines, 2015. Collection method: clinical testing. Allele origin: germline.
Comment: This variant is classified as likely benign based on ACMG/AMP sequence variant interpretation guidelines (Richards et al. 2015 PMID: 25741868, with internal and published modifications).

Center for Genomic Medicine, Rigshospitalet, Copenhagen University Hospital
Classification: Uncertain significance. Last evaluated: 2025-03-04. Review status: criteria provided, single submitter. Criteria: ACMG Guidelines, 2015. Collection method: clinical testing. Allele origin: germline.

Quest Diagnostics Nichols Institute San Juan Capistrano
Classification: Likely benign. Last evaluated: 2024-12-11. Review status: criteria provided, single submitter. Criteria: Quest Diagnostics criteria. Collection method: clinical testing. Allele origin: unknown.

Myriad Genetics, Inc.
Classification: Likely benign for Birt-Hogg-Dube syndrome 1. Last evaluated: 2024-10-22. Review status: criteria provided, single submitter. Criteria: Myriad Autosomal Dominant, Autosomal Recessive and X-Linked Classification Criteria (2023). Collection method: clinical testing. Allele origin: unknown.
Comment: This variant is considered likely benign. This variant is intronic and is not expected to impact mRNA splicing. This variant has been observed at a population frequency that is significantly greater than expected given the associated disease prevalence and penetrance.

Blueprint Genetics
Classification: Likely benign. Last evaluated: 2024-09-25. Review status: criteria provided, single submitter. Criteria: ACMG Guidelines, 2015. Collection method: clinical testing. Allele origin: germline.

Sema4
Classification: Uncertain significance for Hereditary cancer-predisposing syndrome. Last evaluated: 2021-09-29. Review status: criteria provided, single submitter. Criteria: Sema4 Curation Guidelines. Collection method: curation. Allele origin: germline.
Comment: The FLCN c.396+4A>G variant has not been reported in the literature to our knowledge. It was observed in 47/128752 chromosomes of the Non-Finnish European subpopulation in the Genome Aggregation Database (PMID: 32461654). The variant has been reported in ClinVar (Variation ID 409395). In silico tools suggest that the variant may have an impact on splicing, though these predictions have not been confirmed by functional studies. The evidence is insufficient to meet ACMG/AMP criteria for classifying the variant as benign or pathogenic. Taken together, this variant is classified as variant of uncertain significance, until segregation, case-control and functional studies become available.

GeneDx
Classification: Uncertain significance. Last evaluated: 2019-12-31. Review status: criteria provided, single submitter. Criteria: GeneDx Variant Classification Process June 2021. Collection method: clinical testing. Allele origin: germline. Affected: yes.
Comment: Has not been previously published as pathogenic or benign to our knowledge; In-silico analysis, which includes splice predictors and evolutionary conservation, is inconclusive as to whether the variant alters gene splicing. In the absence of RNA/functional studies, the actual effect of this sequence change is unknown.

Ambry Genetics
Classification: Likely benign for Hereditary cancer-predisposing syndrome. Last evaluated: 2019-03-05. Review status: criteria provided, single submitter. Criteria: Ambry Variant Classification Scheme 2023. Collection method: clinical testing. Allele origin: germline.

Dr. Peter K. Rogan Lab, Western University
No classification provided (evidence only). Condition: Colon adenocarcinoma. Review status: no classification provided. Collection method: in vitro. Allele origin: not applicable. Functional consequence: retained intron. Not counted in ClinVar's aggregate classification.

Genome Diagnostics Laboratory, Amsterdam University Medical Center
Classification: Uncertain significance. Review status: no assertion criteria provided. Collection method: clinical testing. Allele origin: germline. Affected: yes. Study: VKGL Data-share Consensus. Not counted in ClinVar's aggregate classification.

Genome Diagnostics Laboratory, University Medical Center Utrecht
Classification: Uncertain significance. Review status: no assertion criteria provided. Collection method: clinical testing. Allele origin: germline. Affected: yes. Study: VKGL Data-share Consensus. Not counted in ClinVar's aggregate classification.

NM_144997.7(FLCN):c.396+4A>G

Gene: FLCN (folliculin; minus strand). Cytogenetic location: 17p11.2.
Variant type: single nucleotide variant.
Coding change: c.396+4A>G on transcript NM_144997.7 (MANE Select); 4 bases into the intron after coding-DNA position 396, A replaced by G.
Molecular consequence: intron variant.
Genome position (GRCh38, 1-based): chr17:17,226,172, T>C on the plus strand (A>G on the coding strand, the complement: FLCN is on the minus strand). VCF-style: chr17-17226172-T-C. GRCh37 (hg19) VCF-style: chr17-17129486-T-C.
Other names: c.396+4A>G (LRG_325t1, NM_144997.6, NM_001353231.2 and 3 more transcripts).
Identifiers: ClinVar variation 409395 (VCV000409395.36), dbSNP rs370353839, ClinGen allele CA8416446.